The following is an entry in ClinVar:

ClinVar aggregate classification (germline): Uncertain significance (1 of 4 stars; one submission).

Conditions:
Polycystic kidney disease 2 (PKD2). Also called: Polycystic Kidney Disease 2, Autosomal Dominant; POLYCYSTIC KIDNEY DISEASE 2 WITH OR WITHOUT POLYCYSTIC LIVER DISEASE; POLYCYSTIC KIDNEY DISEASE, ADULT, TYPE II. Identifiers: MedGen C2751306, MONDO:0013131, OMIM 613095.

gnomAD v4.1: 4 of 1,611,692 alleles (0.00025%); highest among the groups gnomAD compares: East Asian, 0.0022%; no homozygotes.

Submission:

Juno Genomics, Hangzhou Juno Genomics, Inc
Classification: Uncertain significance for Polycystic kidney disease 2. Review status: criteria provided, single submitter. Criteria: ACMG Guidelines, 2015. Collection method: clinical testing. Allele origin: germline.
Comment: Absent from controls (or at extremely low frequency if recessive) in Genome Aggregation Database.;Multiple lines of computational evidence support a deleterious effect on the gene or gene product.

NM_000297.4(PKD2):c.1505A>G (p.Tyr502Cys)

Gene: PKD2 (polycystin 2, transient receptor potential cation channel; plus strand). Cytogenetic location: 4q22.1.
Variant type: single nucleotide variant.
Coding change: c.1505A>G on transcript NM_000297.4 (MANE Select); coding-DNA position 1505, A replaced by G.
Protein change: p.Tyr502Cys; replaces tyrosine 502 with cysteine.
Molecular consequence: missense variant. On other transcripts: non-coding transcript variant (1).
Genome position (GRCh38, 1-based): chr4:88,046,827, A>G. VCF-style: chr4-88046827-A-G. GRCh37 (hg19) VCF-style: chr4-88967979-A-G.
Other names: c.1280A>G, p.Tyr427Cys (NM_001440544.1); short protein forms Y427C, Y502C.
Identifiers: ClinVar variation 5006808 (VCV005006808.2).
Genomic context (GRCh38, chr4:88,046,827, plus strand): 5'-TCTTTATCTTTTACTATGTGGTGGAAGAGATATTGGAAATTCGCATTCACAAACTACACT[A>G]TTTCAGGAGTTTCTGGAATTGTCTGGATGTTGTGATCGTTGTGGTAGGTTTGAGAACAAC-3'
Protein context (NP_000288.1, residues 492-512): ILEIRIHKLH[Tyr502Cys]FRSFWNCLDV